The following is an entry in ClinVar:

NM_000530.8(MPZ):c.397C>T (p.Pro133Ser)

Gene: MPZ (myelin protein zero; minus strand). Cytogenetic location: 1q23.3.
Variant type: single nucleotide variant.
Coding change: c.397C>T on transcript NM_000530.8 (MANE Select); coding-DNA position 397, C replaced by T.
Protein change: p.Pro133Ser; replaces proline 133 with serine.
Molecular consequence: missense variant.
Genome position (GRCh38, 1-based): chr1:161,306,759, G>A on the plus strand (C>T on the coding strand, the complement: MPZ is on the minus strand). VCF-style: chr1-161306759-G-A. GRCh37 (hg19) VCF-style: chr1-161276549-G-A.
Other names: c.397C>T, p.Pro133Ser (NM_001315491.2); c.397C>T (LRG_256t1); short protein forms P133S.
Identifiers: ClinVar variation 637337 (VCV000637337.7), dbSNP rs1553259648, ClinGen allele CA343348705.

ClinVar aggregate classification (germline): Likely pathogenic. Review status: criteria provided, multiple submitters, no conflicts (2 of 4 stars). 3 submissions from 3 submitters: Likely pathogenic (2). 1 of the submissions does not count toward it. Last evaluated 2022-02-01.

Conditions:
Charcot-Marie-Tooth disease, type I (CMT1). Also called: Charcot-Marie-Tooth disease type 1; Charcot-Marie-Tooth, Type 1. Identifiers: Orphanet 65753, MedGen C0751036, MONDO:0019011.
Charcot-Marie-Tooth disease. Also called: Charcot-Marie-Tooth Hereditary Neuropathy; Charcot-Marie-Tooth Neuropathy. Identifiers: Orphanet 166, MedGen C0007959, MONDO:0015626.

Submissions (3):

Labcorp Genetics (formerly Invitae), Labcorp
Classification: Likely pathogenic for Charcot-Marie-Tooth disease, type I. Last evaluated: 2022-02-01. Review status: criteria provided, single submitter. Criteria: Invitae Variant Classification Sherloc (09022015). Collection method: clinical testing. Allele origin: germline.
Comment: This variant disrupts the p.Pro133 amino acid residue in MPZ. Other variant(s) that disrupt this residue have been determined to be pathogenic (PMID: 26310628; Invitae). This suggests that this residue is clinically significant, and that variants that disrupt this residue are likely to be disease-causing. Algorithms developed to predict the effect of missense changes on protein structure and function (SIFT, PolyPhen-2, Align-GVGD) all suggest that this variant is likely to be disruptive. ClinVar contains an entry for this variant (Variation ID: 637337). This missense change has been observed in individuals with hereditary motor and sensory neuropathy (PMID: 22433810). This variant is not present in population databases (gnomAD no frequency). This sequence change replaces proline, which is neutral and non-polar, with serine, which is neutral and polar, at codon 133 of the MPZ protein (p.Pro133Ser). In summary, the currently available evidence indicates that the variant is pathogenic, but additional data are needed to prove that conclusively. Therefore, this variant has been classified as Likely Pathogenic.

GeneDx
Classification: Likely pathogenic. Last evaluated: 2020-11-11. Review status: criteria provided, single submitter. Criteria: GeneDx Variant Classification Process June 2021. Collection method: clinical testing. Allele origin: germline. Affected: yes.
Comment: Not observed in large population cohorts (Lek et al., 2016); Missense variants in this gene are often considered pathogenic (Stenson et al., 2014); In silico analysis supports that this missense variant has a deleterious effect on protein structure/function; Has not been previously published as pathogenic or benign to our knowledge; A different missense change at this residue (P133A) has been reported in ClinVar (ClinVar SCV000830284.1 ); This variant is associated with the following publications: (PMID: 22433810)

Inherited Neuropathy Consortium
Classification: Uncertain significance for Charcot-Marie-Tooth disease. Review status: no assertion criteria provided. Collection method: literature only. Allele origin: germline. Affected: yes. Not counted in ClinVar's aggregate classification.

Literature cited by the submitters: PubMed 26310628 (cited by Labcorp Genetics (formerly Invitae), Labcorp); PubMed 22433810 (cited by Labcorp Genetics (formerly Invitae), Labcorp and Inherited Neuropathy Consortium).